The following is an entry in ClinVar:

ClinVar aggregate classification (germline): Uncertain significance (1 of 4 stars; one submission).

Conditions:
Cardiovascular phenotype. Identifiers: MedGen CN230736.

gnomAD v4.1: 1 of 1,609,408 alleles (0.000062%); highest among the groups gnomAD compares: Non-Finnish European, 0.000085%; no homozygotes.

Submission:

Ambry Genetics
Classification: Uncertain significance for Cardiovascular phenotype. Last evaluated: 2026-07-02. Review status: criteria provided, single submitter. Criteria: Ambry Variant Classification Scheme 2023. Collection method: clinical testing. Allele origin: germline.
Comment: The p.T1547S variant (also known as c.4639A>T), located in coding exon 26 of the APOB gene, results from an A to T substitution at nucleotide position 4639. The threonine at codon 1547 is replaced by serine, an amino acid with similar properties. This amino acid position is conserved. In addition, this alteration is predicted to be tolerated by in silico analysis. Based on the available evidence, the clinical significance of this variant remains unclear.

NM_000384.3(APOB):c.4639A>T (p.Thr1547Ser)

Gene: APOB (apolipoprotein B; minus strand). Cytogenetic location: 2p24.1.
Variant type: single nucleotide variant.
Coding change: c.4639A>T on transcript NM_000384.3 (MANE Select); coding-DNA position 4639, A replaced by T.
Protein change: p.Thr1547Ser; replaces threonine 1547 with serine.
Molecular consequence: missense variant.
Genome position (GRCh38, 1-based): chr2:21,012,229, T>A on the plus strand (A>T on the coding strand, the complement: APOB is on the minus strand). VCF-style: chr2-21012229-T-A. GRCh37 (hg19) VCF-style: chr2-21235101-T-A.
Other names: short protein forms T1547S.
Identifiers: ClinVar variation 5027232 (VCV005027232.1).